The following is an entry in ClinVar:

NM_001384732.1(CPLANE1):c.3407_3408del (p.Ser1136fs)

Gene: CPLANE1 (ciliogenesis and planar polarity effector complex subunit 1; minus strand). Cytogenetic location: 5p13.2.
Variant type: Microsatellite.
Coding change: c.3407_3408del on transcript NM_001384732.1 (MANE Select); coding-DNA positions 3407 to 3408, 2 bases deleted (CT; older notation c.3407_3408delCT).
Protein change: p.Ser1136fs; shifts the reading frame from serine 1136.
Molecular consequence: frameshift variant.
Genome position (GRCh38, 1-based): chr5:37,201,690-37,201,691, AG deleted on the plus strand (CT on the coding strand, the reverse complement: CPLANE1 is on the minus strand); deleting any 2 consecutive bases within chr5:37,201,690-37,201,693 gives the same sequence; the c. name uses the placement nearest the transcript's 3' end. VCF-style (leftmost placement, unchanged base first): chr5-37201689-CAG-C. GRCh37 (hg19) VCF-style: chr5-37201791-CAG-C.
Other names: c.3407_3408del, p.Ser1136fs (NM_023073.4); c.3407_3408delCT (NM_023073.3); short protein forms S1136fs.
Identifiers: ClinVar variation 570974 (VCV000570974.7), dbSNP rs1228082731, ClinGen allele CA810292144.

ClinVar aggregate classification (germline): Pathogenic (1 of 4 stars; one submission).

Submission:

Labcorp Genetics (formerly Invitae), Labcorp
Classification: Pathogenic. Last evaluated: 2025-10-13. Review status: criteria provided, single submitter. Criteria: Invitae Variant Classification Sherloc (09022015). Collection method: clinical testing. Allele origin: germline.
Comment: This sequence change creates a premature translational stop signal (p.Ser1136Cysfs*6) in the CPLANE1 gene. It is expected to result in an absent or disrupted protein product. Loss-of-function variants in CPLANE1 are known to be pathogenic (PMID: 24178751, 26092869). This variant is not present in population databases (gnomAD no frequency). This variant has not been reported in the literature in individuals affected with CPLANE1-related conditions. For these reasons, this variant has been classified as Pathogenic.

Literature cited by the submitters: PubMed 24178751; PubMed 26092869.